The following is an entry in ClinVar:

ClinVar aggregate classification (germline): Uncertain significance (1 of 4 stars; one submission).

Conditions:
Predisposition to invasive fungal disease due to CARD9 deficiency (IMD103). Also called: IMMUNODEFICIENCY 103, SUSCEPTIBILITY TO FUNGAL INFECTIONS; CARD9 IMMUNODEFICIENCY; Candidiasis, familial, 2, autosomal recessive. Identifiers: Orphanet 457088, MedGen C1859353, MONDO:0008905, OMIM 212050.

Submission:

Labcorp Genetics (formerly Invitae), Labcorp
Classification: Uncertain significance for Predisposition to invasive fungal disease due to CARD9 deficiency. Last evaluated: 2024-01-04. Review status: criteria provided, single submitter. Criteria: Invitae Variant Classification Sherloc (09022015). Collection method: clinical testing. Allele origin: germline.
Comment: This sequence change replaces glutamine, which is neutral and polar, with histidine, which is basic and polar, at codon 463 of the CARD9 protein (p.Gln463His). This variant is not present in population databases (gnomAD no frequency). This variant has not been reported in the literature in individuals affected with CARD9-related conditions. An algorithm developed to predict the effect of missense changes on protein structure and function (PolyPhen-2) suggests that this variant is likely to be tolerated. In summary, the available evidence is currently insufficient to determine the role of this variant in disease. Therefore, it has been classified as a Variant of Uncertain Significance.

NM_052813.5(CARD9):c.1389G>C (p.Gln463His)

Gene: CARD9 (caspase recruitment domain family member 9; minus strand). Cytogenetic location: 9q34.3.
Variant type: single nucleotide variant.
Coding change: c.1389G>C on transcript NM_052813.5 (MANE Select); coding-DNA position 1389, G replaced by C.
Protein change: p.Gln463His; replaces glutamine 463 with histidine.
Molecular consequence: missense variant.
Genome position (GRCh38, 1-based): chr9:136,365,186, C>G on the plus strand (G>C on the coding strand, the complement: CARD9 is on the minus strand). VCF-style: chr9-136365186-C-G. GRCh37 (hg19) VCF-style: chr9-139259638-C-G.
Other names: c.1389G>C, p.Gln463His (NM_052814.4); short protein forms Q463H.
Identifiers: ClinVar variation 2707374 (VCV002707374.3), dbSNP rs770178187, ClinGen allele CA375541892.